The following is an entry in ClinVar:

NM_014989.7(RIMS1):c.4505+5G>A

Genes: RIMS1 (regulating synaptic membrane exocytosis 1; plus strand), LOC129389554 (MPRA-validated peak5890 silencer; plus strand). Cytogenetic location: 6q13.
Variant type: single nucleotide variant.
Coding change: c.4505+5G>A on transcript NM_014989.7 (MANE Select); 5 bases into the intron after coding-DNA position 4505, G replaced by A.
Molecular consequence: intron variant.
Genome position (GRCh38, 1-based): chr6:72,390,741, G>A. VCF-style: chr6-72390741-G-A. GRCh37 (hg19) VCF-style: chr6-73100443-G-A.
Other names: c.1883+5G>A (NM_001350428.2); c.2327+5G>A (NM_001350459.2); c.1811+5G>A (NM_001350424.2); c.2408+5G>A (NM_001350437.2); c.1880+5G>A (NM_001350430.2, NM_001168408.2); c.2324+5G>A (NM_001350421.2); c.1808+5G>A (NM_001350450.2); c.2474+5G>A (NM_001350458.2); and 54 more.
Identifiers: ClinVar variation 4718112 (VCV004718112.1).

ClinVar aggregate classification (germline): Uncertain significance (1 of 4 stars; one submission).

gnomAD v4.1: 1 of 1,613,550 alleles (0.000062%); highest among the groups gnomAD compares: Non-Finnish European, 0.000085%; no homozygotes.

Submission:

Labcorp Genetics (formerly Invitae), Labcorp
Classification: Uncertain significance. Last evaluated: 2025-05-06. Review status: criteria provided, single submitter. Criteria: Invitae Variant Classification Sherloc (09022015). Collection method: clinical testing. Allele origin: germline.
Comment: This sequence change falls in intron 30 of the RIMS1 gene. It does not directly change the encoded amino acid sequence of the RIMS1 protein. It affects a nucleotide within the consensus splice site. This variant is not present in population databases (gnomAD no frequency). This variant has not been reported in the literature in individuals affected with RIMS1-related conditions. Variants that disrupt the consensus splice site are a relatively common cause of aberrant splicing (PMID: 17576681, 9536098). Algorithms developed to predict the effect of sequence changes on RNA splicing suggest that this variant may disrupt the consensus splice site. In summary, the available evidence is currently insufficient to determine the role of this variant in disease. Therefore, it has been classified as a Variant of Uncertain Significance.

Literature cited by the submitters: PubMed 17576681; PubMed 9536098.